The following is an entry in ClinVar:

ClinVar aggregate classification (germline): Uncertain significance. Review status: criteria provided, multiple submitters, no conflicts (2 of 4 stars). 2 submissions from 2 submitters: Uncertain significance (2). Last evaluated 2024-11-07.

Allele frequency attached by ClinVar (database versions not stated): gnomAD 0.00003; ExAC 0.00004; gnomAD exomes 0.00005; TOPMed 0.00005; ESP Exome Variant Server 0.00008; 1000 Genomes Project 30x 0.00016.
gnomAD v4.1: 78 of 1,613,032 alleles (0.0048%); highest among the groups gnomAD compares: Middle Eastern, 0.017%; no homozygotes.

Submissions (2):

Ambry Genetics
Classification: Uncertain significance. Last evaluated: 2024-11-07. Review status: criteria provided, single submitter. Criteria: Ambry Variant Classification Scheme 2023. Collection method: clinical testing. Allele origin: germline.

Labcorp Genetics (formerly Invitae), Labcorp
Classification: Uncertain significance. Last evaluated: 2022-01-21. Review status: criteria provided, single submitter. Criteria: Invitae Variant Classification Sherloc (09022015). Collection method: clinical testing. Allele origin: germline.
Comment: This sequence change replaces arginine, which is basic and polar, with tryptophan, which is neutral and slightly polar, at codon 738 of the ZNF341 protein (p.Arg738Trp). This variant is present in population databases (rs370999022, gnomAD 0.007%). This variant has not been reported in the literature in individuals affected with ZNF341-related conditions. Algorithms developed to predict the effect of missense changes on protein structure and function are either unavailable or do not agree on the potential impact of this missense change (SIFT: "Deleterious"; PolyPhen-2: "Probably Damaging"; Align-GVGD: "Class C0"). In summary, the available evidence is currently insufficient to determine the role of this variant in disease. Therefore, it has been classified as a Variant of Uncertain Significance.

NM_001282933.2(ZNF341):c.2233C>T (p.Arg745Trp)

Genes: ZNF341 (zinc finger protein 341; plus strand), ZNF341-AS1 (ZNF341 antisense RNA 1; minus strand). Cytogenetic location: 20q11.22.
Variant type: single nucleotide variant.
Coding change: c.2233C>T on transcript NM_001282933.2 (MANE Select); coding-DNA position 2233, C replaced by T.
Protein change: p.Arg745Trp; replaces arginine 745 with tryptophan.
Molecular consequence: missense variant. On other transcripts: non-coding transcript variant (1).
Genome position (GRCh38, 1-based): chr20:33,791,185, C>T. VCF-style: chr20-33791185-C-T. GRCh37 (hg19) VCF-style: chr20-32378991-C-T.
Other names: c.1963C>T, p.Arg655Trp (NM_001282935.2); c.2212C>T, p.Arg738Trp (NM_032819.5); c.2212C>T (NM_032819.3); short protein forms R655W, R745W, R738W.
Identifiers: ClinVar variation 1909980 (VCV001909980.3), dbSNP rs370999022, ClinGen allele CA9819745.